The following is an entry in ClinVar:

ClinVar aggregate classification (germline): Uncertain significance/Uncertain risk allele. Review status: criteria provided, multiple submitters, no conflicts (2 of 4 stars). 2 submissions from 2 submitters: Uncertain significance (1); Uncertain risk allele (1).

Conditions:
Maturity-onset diabetes of the young (MODY). Also called: Maturity onset diabetes mellitus in young. Identifiers: Orphanet 552, MedGen C0342276, MONDO:0018911, HP:0004904.
Maturity-onset diabetes of the young type 3. Also called: MODY type 3; MODY, type III. Identifiers: Orphanet 552, MedGen C1838100, MeSH C563933, MONDO:0010894, OMIM 600496. Disease mechanism: loss of function.

Submissions (2):

Clinical Genomics, Uppaluri K&H Personalized Medicine Clinic
Classification: Uncertain risk allele for Maturity-onset diabetes of the young. Review status: criteria provided, single submitter. Criteria: K & H Uppaluri Personalized Medicine Clinic Variant Classification & Assertion Criteria_Updated V.1. Collection method: research. Allele origin: unknown. Inheritance: Autosomal dominant inheritance.
Comment: Mutations in HNF1A gene can predispose to MODY3. It is associated with both micro and macrovascular complications of diabetes, especially cardiovascular complications. Associated with glucosuria. May respond well to sulfonylureas. However, more evidence is required to confer the association of this particular variant rs1877319456 with MODY3.

Human Genome Sequencing Center Clinical Lab, Baylor College of Medicine
Classification: Uncertain significance for Maturity onset diabetes of the young, type 3. Review status: criteria provided, single submitter. Criteria: ACMG Guidelines, 2015. Collection method: clinical testing. Allele origin: germline.

Literature cited by the submitters: PubMed 31517624 (cited by Clinical Genomics, Uppaluri K&H Personalized Medicine Clinic); PubMed 32395877 (cited by Clinical Genomics, Uppaluri K&H Personalized Medicine Clinic); PubMed 35328643 (cited by Clinical Genomics, Uppaluri K&H Personalized Medicine Clinic); PubMed 35673428 (cited by Clinical Genomics, Uppaluri K&H Personalized Medicine Clinic).

NM_000545.8(HNF1A):c.1731C>A (p.His577Gln)

Gene: HNF1A (HNF1 homeobox A; plus strand). Cytogenetic location: 12q24.31.
Variant type: single nucleotide variant.
Coding change: c.1731C>A on transcript NM_000545.8 (MANE Select); coding-DNA position 1731, C replaced by A.
Protein change: p.His577Gln; replaces histidine 577 with glutamine.
Molecular consequence: missense variant.
Genome position (GRCh38, 1-based): chr12:120,999,590, C>A. VCF-style: chr12-120999590-C-A. GRCh37 (hg19) VCF-style: chr12-121437393-C-A.
Other names: c.1752C>A, p.His584Gln (NM_001306179.2); short protein forms H577Q, H584Q.
Identifiers: ClinVar variation 979118 (VCV000979118.2), dbSNP rs1877319456, ClinGen allele CA386973258.